The following is an entry in ClinVar:

ClinVar aggregate classification (germline): Uncertain significance. Review status: criteria provided, multiple submitters, no conflicts (2 of 4 stars). 3 submissions from 3 submitters: Uncertain significance (3). Last evaluated 2026-02-02.

Conditions:
MHC class I deficiency. Identifiers: Orphanet 34592, MedGen C6024714, MONDO:0011476.

Allele frequency attached by ClinVar (database versions not stated): gnomAD 0.00039 and 0.00044; ESP Exome Variant Server 0.00046; 1000 Genomes Project 30x 0.00016; 1000 Genomes Project 0.00020; TOPMed 0.00034.
gnomAD v4.1: 121 of 1,572,162 alleles (0.0077%); highest among the groups gnomAD compares: African/African-American, 0.15%; no homozygotes.

Submissions (3):

Labcorp Genetics (formerly Invitae), Labcorp
Classification: Uncertain significance for MHC class I deficiency 1. Last evaluated: 2026-02-02. Review status: criteria provided, single submitter. Criteria: Invitae Variant Classification Sherloc (09022015). Collection method: clinical testing. Allele origin: germline.
Comment: This sequence change replaces proline, which is neutral and non-polar, with serine, which is neutral and polar, at codon 186 of the TAPBP protein (p.Pro186Ser). This variant is present in population databases (rs145952108, gnomAD 0.1%), and has an allele count higher than expected for a pathogenic variant. This variant has not been reported in the literature in individuals affected with TAPBP-related conditions. ClinVar contains an entry for this variant (Variation ID: 648764). An algorithm developed to predict the effect of missense changes on protein structure and function outputs the following: PolyPhen-2: "Possibly Damaging". The serine amino acid residue is found in multiple mammalian species, which suggests that this missense change does not adversely affect protein function. In summary, the available evidence is currently insufficient to determine the role of this variant in disease. Therefore, it has been classified as a Variant of Uncertain Significance.

Ambry Genetics
Classification: Uncertain significance. Last evaluated: 2025-07-31. Review status: criteria provided, single submitter. Criteria: Ambry Variant Classification Scheme 2023. Collection method: clinical testing. Allele origin: germline.

Blueprint Genetics
Classification: Uncertain significance. Last evaluated: 2024-06-27. Review status: criteria provided, single submitter. Criteria: ACMG Guidelines, 2015. Collection method: clinical testing. Allele origin: germline.

NM_003190.5(TAPBP):c.556C>T (p.Pro186Ser)

Gene: TAPBP (TAP binding protein; minus strand). Cytogenetic location: 6p21.32.
Variant type: single nucleotide variant.
Coding change: c.556C>T on transcript NM_003190.5 (MANE Select); coding-DNA position 556, C replaced by T.
Protein change: p.Pro186Ser; replaces proline 186 with serine.
Molecular consequence: missense variant.
Genome position (GRCh38, 1-based): chr6:33,305,301, G>A on the plus strand (C>T on the coding strand, the complement: TAPBP is on the minus strand). VCF-style: chr6-33305301-G-A. GRCh37 (hg19) VCF-style: chr6-33273078-G-A.
Other names: c.556C>T, p.Pro186Ser (NM_172208.3); c.295C>T, p.Pro99Ser (NM_172209.3); short protein forms P99S, P186S.
Identifiers: ClinVar variation 648764 (VCV000648764.12), dbSNP rs145952108, ClinGen allele CA3755862.